The following is an entry in ClinVar:

NM_022042.4(SLC26A1):c.681G>A (p.Gln227=)

Genes: IDUA (alpha-L-iduronidase; plus strand), SLC26A1 (solute carrier family 26 member 1; minus strand). Cytogenetic location: 4p16.3.
Variant type: single nucleotide variant.
Coding change: c.681G>A on transcript NM_022042.4 (MANE Select); coding-DNA position 681, G replaced by A.
Protein change: p.Gln227=; no amino-acid change (glutamine 227 retained).
Molecular consequence: synonymous variant. On other transcripts: intron variant (2).
Genome position (GRCh38, 1-based): chr4:990,258, C>T on the plus strand (G>A on the coding strand, the complement: SLC26A1 is on the minus strand). VCF-style: chr4-990258-C-T. GRCh37 (hg19) VCF-style: chr4-984046-C-T.
Other names: c.681G>A, p.Gln227= (NM_213613.4); c.576+870G>A (NM_134425.4); c.299+2309C>T (NM_000203.5).
Identifiers: ClinVar variation 2733037 (VCV002733037.5), dbSNP rs371320635, ClinGen allele CA2801575.

ClinVar aggregate classification (germline): Likely benign. Review status: criteria provided, single submitter (1 of 4 stars). 2 submissions from 2 submitters: Likely benign (1). 1 of the submissions does not count toward it. Last evaluated 2026-01-27.

Conditions:
SLC26A1-related disorder. Also called: SLC26A1-related condition.

Allele frequency attached by ClinVar (database versions not stated): gnomAD 0.00005; 1000 Genomes Project 0.00040; TOPMed 0.00001; gnomAD exomes 0.00002; ExAC 0.00005; 1000 Genomes Project 30x 0.00031.
gnomAD v4.1: 44 of 1,591,266 alleles (0.0028%); highest among the groups gnomAD compares: South Asian, 0.034%; no homozygotes.

Submissions (2):

Labcorp Genetics (formerly Invitae), Labcorp
Classification: Likely benign. Last evaluated: 2026-01-27. Review status: criteria provided, single submitter. Criteria: Invitae Variant Classification Sherloc (09022015). Collection method: clinical testing. Allele origin: germline.

PreventionGenetics, part of Exact Sciences
Classification: Likely benign for SLC26A1-related condition. Last evaluated: 2019-06-18. Review status: no assertion criteria provided. Collection method: clinical testing. Allele origin: germline. Not counted in ClinVar's aggregate classification.
Comment: This variant is classified as likely benign based on ACMG/AMP sequence variant interpretation guidelines (Richards et al. 2015 PMID: 25741868, with internal and published modifications).